The following is an entry in ClinVar:

ClinVar aggregate classification (germline): Conflicting classifications of pathogenicity. Review status: criteria provided, conflicting classifications (1 of 4 stars). 5 submissions from 5 submitters: Uncertain significance (1); Likely benign (2). 2 of the submissions do not count toward it. Last evaluated 2024-08-22.

Conditions:
Intellectual disability. Also called: Intellectual functioning disability; Intellectual developmental disorder; intellectual disabilities. Identifiers: MedGen C3714756, MeSH D008607, MONDO:0001071, HP:0001249.
GABRG2-related disorder. Also called: GABRG2-related condition.

Allele frequency attached by ClinVar (database versions not stated): ExAC 0.00009; TOPMed 0.00017.
gnomAD v4.1: 86 of 453,376 alleles (0.019%); highest among the groups gnomAD compares: Non-Finnish European, 0.027%; no homozygotes.

Submissions (5):

Women's Health and Genetics/Laboratory Corporation of America, LabCorp
Classification: Uncertain significance. Last evaluated: 2024-08-22. Review status: criteria provided, single submitter. Criteria: LabCorp Variant Classification Summary - May 2015. Collection method: clinical testing. Allele origin: germline.
Comment: Variant summary: GABRG2 c.684C>G (p.His228Gln) results in a non-conservative amino acid change located in the Neurotransmitter-gated ion-channel ligand-binding domain (IPR006202) of the encoded protein sequence. Three of four in-silico tools predict a benign effect of the variant on protein function. The variant allele was found at a frequency of 0.00019 in 128296 control chromosomes. This frequency is not significantly higher than estimated for a pathogenic variant in GABRG2 causing Developmental And Epileptic Encephalopathy, 74, allowing no conclusion about variant significance. To our knowledge, no occurrence of c.684C>G in individuals affected with Developmental And Epileptic Encephalopathy, 74 and no experimental evidence demonstrating its impact on protein function have been reported. ClinVar contains an entry for this variant (Variation ID: 975390). Based on the evidence outlined above, the variant was classified as uncertain significance.

Blueprint Genetics
Classification: Likely benign. Last evaluated: 2022-04-06. Review status: criteria provided, single submitter. Criteria: ACMG Guidelines, 2015. Collection method: clinical testing. Allele origin: germline.

GeneDx
Classification: Likely benign. Last evaluated: 2020-09-15. Review status: criteria provided, single submitter. Criteria: GeneDx Variant Classification Process June 2021. Collection method: clinical testing. Allele origin: germline. Affected: yes.
Comment: In silico analysis supports that this variant does not alter splicing

PreventionGenetics, part of Exact Sciences
Classification: Likely benign for GABRG2-related condition. Last evaluated: 2024-08-29. Review status: no assertion criteria provided. Collection method: clinical testing. Allele origin: germline. Not counted in ClinVar's aggregate classification.
Comment: This variant is classified as likely benign based on ACMG/AMP sequence variant interpretation guidelines (Richards et al. 2015 PMID: 25741868, with internal and published modifications).

Centre de Biologie Pathologie Génétique, Centre Hospitalier Universitaire de Lille
Classification: Likely benign for Intellectual disability. Last evaluated: 2019-01-01. Review status: no assertion criteria provided. Collection method: clinical testing. Allele origin: inherited. Affected: yes. Not counted in ClinVar's aggregate classification.

NM_198904.4(GABRG2):c.632-1283C>G

Gene: GABRG2 (gamma-aminobutyric acid type A receptor subunit gamma2; plus strand). Cytogenetic location: 5q34.
Variant type: single nucleotide variant.
Coding change: c.632-1283C>G on transcript NM_198904.4 (MANE Select); 1283 bases into the intron before coding-DNA position 632, C replaced by G.
Molecular consequence: intron variant. On other transcripts: missense variant (2).
Genome position (GRCh38, 1-based): chr5:162,102,606, C>G. VCF-style: chr5-162102606-C-G. GRCh37 (hg19) VCF-style: chr5-161529612-C-G.
Other names: c.684C>G, p.His228Gln (NM_001375343.1, NM_198903.2); c.347-1283C>G (NM_001375349.1); c.632-1283C>G (NM_001375344.1, NM_001375340.1, NM_001375341.1 and 2 more transcripts); c.212-1283C>G (NM_001375350.1, NM_001375348.1); c.623-1283C>G (NM_001375339.1); c.566-1283C>G (NM_001375346.1, NM_001375345.1); c.545-1283C>G (NM_001375347.1); short protein forms H228Q.
Identifiers: ClinVar variation 975390 (VCV000975390.6), dbSNP rs191391831, ClinGen allele CA3544782.